The following is an entry in ClinVar:

ClinVar aggregate classification (germline): Uncertain significance (1 of 4 stars; one submission).

Conditions:
Neurofibromatosis, type 2 (SWNV). Also called: BILATERAL ACOUSTIC NEUROFIBROMATOSIS; NF2-Related Schwannomatosis; SCHWANNOMATOSIS, VESTIBULAR. Identifiers: Orphanet 637, MedGen C0027832, MONDO:0007039, OMIM 101000. Disease mechanism: loss of function.

Submission:

Labcorp Genetics (formerly Invitae), Labcorp
Classification: Uncertain significance for Neurofibromatosis, type 2. Last evaluated: 2024-04-15. Review status: criteria provided, single submitter. Criteria: Invitae Variant Classification Sherloc (09022015). Collection method: clinical testing. Allele origin: germline.
Comment: This sequence change replaces leucine, which is neutral and non-polar, with phenylalanine, which is neutral and non-polar, at codon 49 of the NF2 protein (p.Leu49Phe). This variant is not present in population databases (gnomAD no frequency). This variant has not been reported in the literature in individuals affected with NF2-related conditions. Advanced modeling of protein sequence and biophysical properties (such as structural, functional, and spatial information, amino acid conservation, physicochemical variation, residue mobility, and thermodynamic stability) performed at Invitae indicates that this missense variant is expected to disrupt NF2 protein function with a positive predictive value of 80%. In summary, the available evidence is currently insufficient to determine the role of this variant in disease. Therefore, it has been classified as a Variant of Uncertain Significance.

NM_000268.4(NF2):c.147G>C (p.Leu49Phe)

Gene: NF2 (NF2, moesin-ezrin-radixin like (MERLIN) tumor suppressor; plus strand). Cytogenetic location: 22q12.2.
Variant type: single nucleotide variant.
Coding change: c.147G>C on transcript NM_000268.4 (MANE Select); coding-DNA position 147, G replaced by C.
Protein change: p.Leu49Phe; replaces leucine 49 with phenylalanine.
Molecular consequence: missense variant. On other transcripts: 5 prime UTR variant (2), intron variant (6).
Genome position (GRCh38, 1-based): chr22:29,636,783, G>C. VCF-style: chr22-29636783-G-C. GRCh37 (hg19) VCF-style: chr22-30032772-G-C.
Other names: c.33G>C, p.Leu11Phe (NM_001407053.1, NM_001407056.1); c.147G>C, p.Leu49Phe (NM_001407054.1, NM_001407057.1, NM_001407058.1 and 9 more transcripts); c.-494G>C (NM_001407065.1); c.-110G>C (NM_001407067.1); c.115-2307G>C (NM_181828.3, NM_001407055.1); c.115-5419G>C (NM_001407063.1, NM_181830.3, NM_001407064.1 and 1 more transcripts); short protein forms L11F, L49F.
Identifiers: ClinVar variation 2815811 (VCV002815811.3), dbSNP rs2146852274, ClinGen allele CA411152484.